The following is an entry in ClinVar:

NM_181507.2(HPS5):c.538G>A (p.Val180Ile)

Gene: HPS5 (HPS5 biogenesis of lysosomal organelles complex 2 subunit 2; minus strand). Cytogenetic location: 11p15.1.
Variant type: single nucleotide variant.
Coding change: c.538G>A on transcript NM_181507.2 (MANE Select); coding-DNA position 538, G replaced by A.
Protein change: p.Val180Ile; replaces valine 180 with isoleucine.
Molecular consequence: missense variant.
Genome position (GRCh38, 1-based): chr11:18,309,019, C>T on the plus strand (G>A on the coding strand, the complement: HPS5 is on the minus strand). VCF-style: chr11-18309019-C-T. GRCh37 (hg19) VCF-style: chr11-18330566-C-T.
Other names: c.196G>A, p.Val66Ile (NM_007216.4, NM_181508.2); short protein forms V66I, V180I.
Identifiers: ClinVar variation 1931500 (VCV001931500.4), dbSNP rs2494155965, ClinGen allele CA379503974.

ClinVar aggregate classification (germline): Uncertain significance (1 of 4 stars; one submission).

Allele frequency attached by ClinVar (database versions not stated): gnomAD exomes below 0.00001.
gnomAD v4.1: 3 of 1,613,530 alleles (0.00019%); highest among the groups gnomAD compares: East Asian, 0.0022%; no homozygotes.

Submission:

Labcorp Genetics (formerly Invitae), Labcorp
Classification: Uncertain significance. Last evaluated: 2024-02-24. Review status: criteria provided, single submitter. Criteria: Invitae Variant Classification Sherloc (09022015). Collection method: clinical testing. Allele origin: germline.
Comment: This sequence change replaces valine, which is neutral and non-polar, with isoleucine, which is neutral and non-polar, at codon 180 of the HPS5 protein (p.Val180Ile). This variant is not present in population databases (gnomAD no frequency). This variant has not been reported in the literature in individuals affected with HPS5-related conditions. ClinVar contains an entry for this variant (Variation ID: 1931500). An algorithm developed to predict the effect of missense changes on protein structure and function (PolyPhen-2) suggests that this variant is likely to be tolerated. In summary, the available evidence is currently insufficient to determine the role of this variant in disease. Therefore, it has been classified as a Variant of Uncertain Significance.